The following is an entry in ClinVar:

NM_173630.4(RTTN):c.4124G>A (p.Trp1375Ter)

Gene: RTTN (rotatin; minus strand). Cytogenetic location: 18q22.2.
Variant type: single nucleotide variant.
Coding change: c.4124G>A on transcript NM_173630.4 (MANE Select); coding-DNA position 4124, G replaced by A.
Protein change: p.Trp1375Ter; replaces tryptophan 1375 with a stop codon.
Molecular consequence: nonsense.
Genome position (GRCh38, 1-based): chr18:70,092,129, C>T on the plus strand (G>A on the coding strand, the complement: RTTN is on the minus strand). VCF-style: chr18-70092129-C-T. GRCh37 (hg19) VCF-style: chr18-67759365-C-T.
Other names: c.1388G>A, p.Trp463Ter (NM_001318520.2); short protein forms W1375*, W463*.
Identifiers: ClinVar variation 3338911 (VCV003338911.1).

ClinVar aggregate classification (germline): Pathogenic (1 of 4 stars; one submission).

Conditions:
Microcephalic primordial dwarfism due to RTTN deficiency (MSSP). Also called: Microcephaly, short stature, and polymicrogyria with or without seizures; MICROCEPHALY, SHORT STATURE, AND POLYMICROGYRIA. Identifiers: Orphanet 468631, MedGen C3553831, MONDO:0018764, OMIM 614833.

Submission:

Women's Health and Genetics/Laboratory Corporation of America, LabCorp
Classification: Pathogenic for Microcephalic primordial dwarfism due to RTTN deficiency. Last evaluated: 2024-07-12. Review status: criteria provided, single submitter. Criteria: LabCorp Variant Classification Summary - May 2015. Collection method: clinical testing. Allele origin: germline.
Comment: Variant summary: RTTN c.4124G>A (p.Trp1375X) results in a premature termination codon, predicted to cause absence of the protein due to nonsense mediated decay, which is a commonly known mechanism for disease. The variant was absent in 249236 control chromosomes. To our knowledge, no occurrence of c.4124G>A in individuals affected with Microcephalic Primordial Dwarfism Due To RTTN Deficiency and no experimental evidence demonstrating its impact on protein function have been reported. No submitters have cited clinical-significance assessments for this variant to ClinVar. Based on the evidence outlined above, the variant was classified as pathogenic.